The following is an entry in ClinVar:

NM_006231.4(POLE):c.5444A>C (p.Asp1815Ala)

Gene: POLE (DNA polymerase epsilon, catalytic subunit; minus strand). Cytogenetic location: 12q24.33.
Variant type: single nucleotide variant.
Coding change: c.5444A>C on transcript NM_006231.4 (MANE Select); coding-DNA position 5444, A replaced by C.
Protein change: p.Asp1815Ala; replaces aspartic acid 1815 with alanine.
Molecular consequence: missense variant.
Genome position (GRCh38, 1-based): chr12:132,639,233, T>G on the plus strand (A>C on the coding strand, the complement: POLE is on the minus strand). VCF-style: chr12-132639233-T-G. GRCh37 (hg19) VCF-style: chr12-133215819-T-G.
Other names: short protein forms D1815A.
Identifiers: ClinVar variation 2827368 (VCV002827368.3), dbSNP rs2138510295, ClinGen allele CA387374803.

ClinVar aggregate classification (germline): Uncertain significance (1 of 4 stars; one submission).

Submission:

Labcorp Genetics (formerly Invitae), Labcorp
Classification: Uncertain significance. Last evaluated: 2023-01-09. Review status: criteria provided, single submitter. Criteria: Invitae Variant Classification Sherloc (09022015). Collection method: clinical testing. Allele origin: germline.
Comment: In summary, the available evidence is currently insufficient to determine the role of this variant in disease. Therefore, it has been classified as a Variant of Uncertain Significance. Algorithms developed to predict the effect of missense changes on protein structure and function (SIFT, PolyPhen-2, Align-GVGD) all suggest that this variant is likely to be disruptive. This variant has not been reported in the literature in individuals affected with POLE-related conditions. This variant is not present in population databases (gnomAD no frequency). This sequence change replaces aspartic acid, which is acidic and polar, with alanine, which is neutral and non-polar, at codon 1815 of the POLE protein (p.Asp1815Ala).